The following is an entry in ClinVar:

ClinVar aggregate classification (germline): Uncertain significance. Review status: criteria provided, multiple submitters, no conflicts (2 of 4 stars). 2 submissions from 2 submitters: Uncertain significance (2). Last evaluated 2026-01-01.

gnomAD v4.1: 2 of 1,613,974 alleles (0.00012%); highest among the groups gnomAD compares: Non-Finnish European, 0.00017%; no homozygotes.

Submissions (2):

CeGaT Center for Human Genetics Tuebingen
Classification: Uncertain significance. Last evaluated: 2026-01-01. Review status: criteria provided, single submitter. Criteria: CeGaT Center For Human Genetics Tuebingen Variant Classification Criteria Version 2. Collection method: clinical testing. Allele origin: germline. Affected: yes. Observed: 1 variant allele.
Comment: LMX1A: PM2

Ambry Genetics
Classification: Uncertain significance. Last evaluated: 2025-08-12. Review status: criteria provided, single submitter. Criteria: Ambry Variant Classification Scheme 2023. Collection method: clinical testing. Allele origin: germline.

NM_177398.4(LMX1A):c.978G>A (p.Met326Ile)

Genes: LMX1A (LIM homeobox transcription factor 1 alpha; minus strand), LMX1A-AS2 (LMX1A antisense RNA 2; plus strand). Cytogenetic location: 1q23.3.
Variant type: single nucleotide variant.
Coding change: c.978G>A on transcript NM_177398.4 (MANE Select); coding-DNA position 978, G replaced by A.
Protein change: p.Met326Ile; replaces methionine 326 with isoleucine.
Molecular consequence: missense variant.
Genome position (GRCh38, 1-based): chr1:165,205,874, C>T on the plus strand (G>A on the coding strand, the complement: LMX1A is on the minus strand). VCF-style: chr1-165205874-C-T. GRCh37 (hg19) VCF-style: chr1-165175111-C-T.
Other names: c.978G>A, p.Met326Ile (NM_001174069.2); short protein forms M326I.
Identifiers: ClinVar variation 4098805 (VCV004098805.5).